The following is an entry in ClinVar:

NM_004937.3(CTNS):c.907C>T (p.Leu303Phe)

Gene: CTNS (cystinosin, lysosomal cystine transporter; plus strand). Cytogenetic location: 17p13.2.
Variant type: single nucleotide variant.
Coding change: c.907C>T on transcript NM_004937.3 (MANE Select); coding-DNA position 907, C replaced by T.
Protein change: p.Leu303Phe; replaces leucine 303 with phenylalanine.
Molecular consequence: missense variant.
Genome position (GRCh38, 1-based): chr17:3,659,912, C>T. VCF-style: chr17-3659912-C-T. GRCh37 (hg19) VCF-style: chr17-3563206-C-T.
Other names: c.907C>T, p.Leu303Phe (NM_001031681.3, NM_001374492.1); c.466C>T, p.Leu156Phe (NM_001374493.1, NM_001374494.1, NM_001374495.1 and 1 more transcripts); short protein forms L156F, L303F.
Identifiers: ClinVar variation 1696261 (VCV001696261.3), dbSNP rs2142981414, ClinGen allele CA397693134.

ClinVar aggregate classification (germline): Uncertain significance. Review status: criteria provided, multiple submitters, no conflicts (2 of 4 stars). 3 submissions from 3 submitters: Uncertain significance (3). Last evaluated 2023-12-27.

Conditions:
Juvenile nephropathic cystinosis. Also called: Intermediate Cystinosis; CYSTINOSIS, LATE-ONSET JUVENILE OR ADOLESCENT NEPHROPATHIC TYPE; Later-Onset (Juvenile) Cystinosis. Identifiers: Orphanet 213, Orphanet 411634, MedGen C0268626, MONDO:0009066, OMIM 219900.
Ocular cystinosis. Also called: Non-Nephropathic Cystinosis; Non-Nephropathic (Ocular) Cystinosis. Identifiers: Orphanet 213, Orphanet 411641, MedGen C2931013, MONDO:0009064, OMIM 219750.
Nephropathic cystinosis (CTNS). Also called: Abderhalden Lignac Kaufmann disease; Abderhalden-Kaufmann-Lignac syndrome; CYSTINOSIN, DEFECT OF; LYSOSOMAL CYSTINE TRANSPORT PROTEIN, DEFECT OF. Identifiers: Orphanet 213, Orphanet 411629, MedGen C2931187, MONDO:0100151, OMIM 219800.

Allele frequency attached by ClinVar (database versions not stated): gnomAD exomes below 0.00001.
gnomAD v4.1: 3 of 1,614,020 alleles (0.00019%); highest among the groups gnomAD compares: Middle Eastern, 0.05%; no homozygotes.

Submissions (3):

Fulgent Genetics
Classification: Uncertain significance for Ocular cystinosis; Nephropathic cystinosis; Juvenile nephropathic cystinosis. Last evaluated: 2023-12-27. Review status: criteria provided, single submitter. Criteria: ACMG Guidelines, 2015. Collection method: clinical testing. Allele origin: germline.

Women's Health and Genetics/Laboratory Corporation of America, LabCorp
Classification: Uncertain significance. Last evaluated: 2022-05-20. Review status: criteria provided, single submitter. Criteria: LabCorp Variant Classification Summary - May 2015. Collection method: clinical testing. Allele origin: germline.
Comment: Variant summary: CTNS c.907C>T (p.Leu303Phe) results in a non-conservative amino acid change located in the PQ-loop repeat (IPR006603) of the encoded protein sequence. Three of five in-silico tools predict a damaging effect of the variant on protein function. The variant was absent in 251100 control chromosomes (gnomAD). The available data on variant occurrences in the general population are insufficient to allow any conclusion about variant significance. To our knowledge, no occurrence of c.907C>T in individuals affected with Cystinosis and no experimental evidence demonstrating its impact on protein function have been reported. No clinical diagnostic laboratories have submitted clinical-significance assessments for this variant to ClinVar after 2014. Based on the evidence outlined above, the variant was classified as uncertain significance.

Breakthrough Genomics
Classification: Uncertain significance. Review status: criteria provided, single submitter. Criteria: ACMG Guidelines, 2015. Collection method: not provided. Allele origin: germline. Inheritance: Autosomal recessive inheritance. Affected: yes.